The following is an entry in ClinVar:

ClinVar aggregate classification (germline): Uncertain significance. Review status: criteria provided, multiple submitters, no conflicts (2 of 4 stars). 2 submissions from 2 submitters: Uncertain significance (2). Last evaluated 2025-03-05.

Conditions:
Hereditary cancer-predisposing syndrome. Also called: Neoplastic Syndromes, Hereditary; Tumor predisposition; Hereditary Cancer Syndrome; Hereditary neoplastic syndrome. Identifiers: Orphanet 140162, MedGen C0027672, MeSH D009386, MONDO:0015356.
Familial cancer of breast. Also called: BREAST CANCER, FAMILIAL; hereditary breast carcinoma; Hereditary breast cancer. Identifiers: Orphanet 227535, MedGen C0346153, MONDO:0016419, OMIM 114480. Disease mechanism: loss of function.

Allele frequency attached by ClinVar (database versions not stated): gnomAD exomes below 0.00001; TOPMed below 0.00001; gnomAD 0.00001.
gnomAD v4.1: 2 of 1,613,478 alleles (0.00012%); highest among the groups gnomAD compares: East Asian, 0.0022%; no homozygotes.

Submissions (2):

Labcorp Genetics (formerly Invitae), Labcorp
Classification: Uncertain significance for Familial cancer of breast. Last evaluated: 2025-03-05. Review status: criteria provided, single submitter. Criteria: Invitae Variant Classification Sherloc (09022015). Collection method: clinical testing. Allele origin: germline.
Comment: This sequence change replaces lysine, which is basic and polar, with arginine, which is basic and polar, at codon 349 of the CHEK2 protein (p.Lys349Arg). This variant is not present in population databases (gnomAD no frequency). This variant has not been reported in the literature in individuals affected with CHEK2-related conditions. ClinVar contains an entry for this variant (Variation ID: 460776). An algorithm developed to predict the effect of missense changes on protein structure and function (PolyPhen-2) suggests that this variant is likely to be disruptive. In summary, the available evidence is currently insufficient to determine the role of this variant in disease. Therefore, it has been classified as a Variant of Uncertain Significance.

Ambry Genetics
Classification: Uncertain significance for Hereditary cancer-predisposing syndrome. Last evaluated: 2025-01-30. Review status: criteria provided, single submitter. Criteria: Ambry Variant Classification Scheme 2023. Collection method: clinical testing. Allele origin: germline.
Comment: The p.K349R variant (also known as c.1046A>G), located in coding exon 9 of the CHEK2 gene, results from an A to G substitution at nucleotide position 1046. The lysine at codon 349 is replaced by arginine, an amino acid with highly similar properties. This amino acid position is highly conserved in available vertebrate species. In addition, this alteration is predicted to be deleterious by in silico analysis. Based on the available evidence, the clinical significance of this variant remains unclear.

NM_007194.4(CHEK2):c.1046A>G (p.Lys349Arg)

Gene: CHEK2 (checkpoint kinase 2; minus strand). Cytogenetic location: 22q12.1.
Variant type: single nucleotide variant.
Coding change: c.1046A>G on transcript NM_007194.4 (MANE Select); coding-DNA position 1046, A replaced by G.
Protein change: p.Lys349Arg; replaces lysine 349 with arginine.
Molecular consequence: missense variant. On other transcripts: intron variant (3).
Genome position (GRCh38, 1-based): chr22:28,696,950, T>C on the plus strand (A>G on the coding strand, the complement: CHEK2 is on the minus strand). VCF-style: chr22-28696950-T-C. GRCh37 (hg19) VCF-style: chr22-29092938-T-C.
Other names: c.1175A>G, p.Lys392Arg (NM_001005735.3); c.383A>G, p.Lys128Arg (NM_001257387.3, NM_001437942.1); c.845A>G, p.Lys282Arg (NM_001349956.3); c.1139A>G, p.Lys380Arg (NM_001438293.1); c.1009-1077A>G (NM_145862.3); c.1102-1077A>G (NM_001438295.1); c.1138-1077A>G (NM_001438294.1); short protein forms K349R, K282R, K392R, K128R, K380R.
Identifiers: ClinVar variation 460776 (VCV000460776.11), dbSNP rs1235802399, ClinGen allele CA411097695.
Genomic context (GRCh38, chr22:28,696,950, plus strand): 5'-CAATTTCTTACCTTTATAAGACAGTCCTCTTCTTGAGATGACAGTAAAACATTCTCTGGC[T>C]TTAAGTCACGGTGTATAATACCGTTTTCATGAAGGTACTACACAGAAAGGCAGGCATGAC-3'
Protein context (NP_009125.1, residues 339-359): HENGIIHRDL[Lys349Arg]PENVLLSSQE